The following is an entry in ClinVar:

ClinVar aggregate classification (germline): Uncertain significance (1 of 4 stars; one submission).

Conditions:
RASopathy. Also called: rasopathies; Noonan spectrum disorder. Identifiers: Orphanet 536391, MedGen C5555857, MONDO:0021060.

Allele frequency attached by ClinVar (database versions not stated): gnomAD 0.00001; gnomAD exomes 0.00001; TOPMed 0.00001; ESP Exome Variant Server 0.00008.
gnomAD v4.1: 10 of 1,611,572 alleles (0.00062%); highest among the groups gnomAD compares: South Asian, 0.0011%; no homozygotes.

Submission:

Labcorp Genetics (formerly Invitae), Labcorp
Classification: Uncertain significance for RASopathy. Last evaluated: 2025-08-29. Review status: criteria provided, single submitter. Criteria: Invitae Variant Classification Sherloc (09022015). Collection method: clinical testing. Allele origin: germline.
Comment: This sequence change replaces proline, which is neutral and non-polar, with leucine, which is neutral and non-polar, at codon 703 of the CBL protein (p.Pro703Leu). This variant is not present in population databases (gnomAD no frequency). This variant has not been reported in the literature in individuals affected with CBL-related conditions. ClinVar contains an entry for this variant (Variation ID: 1361604). Invitae Evidence Modeling of protein sequence and biophysical properties (such as structural, functional, and spatial information, amino acid conservation, physicochemical variation, residue mobility, and thermodynamic stability) indicates that this missense variant is not expected to disrupt CBL protein function with a negative predictive value of 95%. In summary, the available evidence is currently insufficient to determine the role of this variant in disease. Therefore, it has been classified as a Variant of Uncertain Significance.

NM_005188.4(CBL):c.2108C>T (p.Pro703Leu)

Gene: CBL (Cbl proto-oncogene; plus strand). Cytogenetic location: 11q23.3.
Variant type: single nucleotide variant.
Coding change: c.2108C>T on transcript NM_005188.4 (MANE Select); coding-DNA position 2108, C replaced by T.
Protein change: p.Pro703Leu; replaces proline 703 with leucine.
Molecular consequence: missense variant.
Genome position (GRCh38, 1-based): chr11:119,296,989, C>T. VCF-style: chr11-119296989-C-T. GRCh37 (hg19) VCF-style: chr11-119167699-C-T.
Other names: short protein forms P703L.
Identifiers: ClinVar variation 1361604 (VCV001361604.8), dbSNP rs368798262, ClinGen allele CA229649750.
Genomic context (GRCh38, chr11:119,296,989, plus strand): 5'-TGCCAAAACTGCCACCTGGGGAGCAATGTGAGGGTGAAGAGGACACAGAGTACATGACTC[C>T]CTCTTCCAGGCCTCTACGGCCTTTGGATACATCCCAGAGTTCACGGTAGGTTCACAACAA-3'
Protein context (NP_005179.2, residues 693-713): EGEEDTEYMT[Pro703Leu]SSRPLRPLDT